The following is an entry in ClinVar:

ClinVar aggregate classification (germline): Uncertain significance (1 of 4 stars; one submission).

Submission:

Labcorp Genetics (formerly Invitae), Labcorp
Classification: Uncertain significance. Last evaluated: 2025-08-21. Review status: criteria provided, single submitter. Criteria: Invitae Variant Classification Sherloc (09022015). Collection method: clinical testing. Allele origin: germline.
Comment: This sequence change replaces leucine, which is neutral and non-polar, with valine, which is neutral and non-polar, at codon 398 of the ALPL protein (p.Leu398Val). This variant is not present in population databases (gnomAD no frequency). This variant has not been reported in the literature in individuals affected with ALPL-related conditions. An algorithm developed to predict the effect of missense changes on protein structure and function (PolyPhen-2) suggests that this variant is likely to be disruptive. In summary, the available evidence is currently insufficient to determine the role of this variant in disease. Therefore, it has been classified as a Variant of Uncertain Significance.

NM_000478.6(ALPL):c.1192C>G (p.Leu398Val)

Gene: ALPL (alkaline phosphatase, biomineralization associated; plus strand). Cytogenetic location: 1p36.12.
Variant type: single nucleotide variant.
Coding change: c.1192C>G on transcript NM_000478.6 (MANE Select); coding-DNA position 1192, C replaced by G.
Protein change: p.Leu398Val; replaces leucine 398 with valine.
Molecular consequence: missense variant.
Genome position (GRCh38, 1-based): chr1:21,576,524, C>G. VCF-style: chr1-21576524-C-G. GRCh37 (hg19) VCF-style: chr1-21903017-C-G.
Other names: c.1027C>G, p.Leu343Val (NM_001127501.4); c.961C>G, p.Leu321Val (NM_001177520.3); c.1192C>G, p.Leu398Val (NM_001369803.2, NM_001369804.2, NM_001369805.2); short protein forms L321V, L343V, L398V.
Identifiers: ClinVar variation 4725825 (VCV004725825.1).
Genomic context (GRCh38, chr1:21,576,524, plus strand): 5'-CTGGGGACTGTACTCCTGGGGCCCCAGCATGACCCCTGAACACCCCCTCCCTGTGCAGGT[C>G]TGGCCCCCATGCTGAGTGACACAGACAAGAAGCCCTTCACTGCCATCCTGTATGGCAATG-3'
Protein context (NP_000469.3, residues 388-408): YTPRGNSIFG[Leu398Val]APMLSDTDKK